The following is an entry in ClinVar:

ClinVar aggregate classification (germline): Uncertain significance (1 of 4 stars; one submission).

Conditions:
Hereditary cancer-predisposing syndrome. Also called: Neoplastic Syndromes, Hereditary; Tumor predisposition; Hereditary neoplastic syndrome; Hereditary Cancer Syndrome. Identifiers: Orphanet 140162, MedGen C0027672, MeSH D009386, MONDO:0015356.

Submission:

Ambry Genetics
Classification: Uncertain significance for Hereditary cancer-predisposing syndrome. Last evaluated: 2026-07-06. Review status: criteria provided, single submitter. Criteria: Ambry Variant Classification Scheme 2023. Collection method: clinical testing. Allele origin: germline.
Comment: The p.V203A variant (also known as c.608T>C), located in coding exon 5 of the FH gene, results from a T to C substitution at nucleotide position 608. The valine at codon 203 is replaced by alanine, an amino acid with similar properties. This amino acid position is conserved. In addition, this alteration is predicted to be deleterious by in silico analysis. Based on the available evidence, the clinical significance of this variant remains unclear.

NM_000143.4(FH):c.608T>C (p.Val203Ala)

Gene: FH (fumarate hydratase; minus strand). Cytogenetic location: 1q43.
Variant type: single nucleotide variant.
Coding change: c.608T>C on transcript NM_000143.4 (MANE Select); coding-DNA position 608, T replaced by C.
Protein change: p.Val203Ala; replaces valine 203 with alanine.
Molecular consequence: missense variant.
Genome position (GRCh38, 1-based): chr1:241,508,733, A>G on the plus strand (T>C on the coding strand, the complement: FH is on the minus strand). VCF-style: chr1-241508733-A-G. GRCh37 (hg19) VCF-style: chr1-241672033-A-G.
Other names: short protein forms V203A.
Identifiers: ClinVar variation 5021700 (VCV005021700.1).